The following is an entry in ClinVar:

NM_020779.4(WDR35):c.2891C>G (p.Ala964Gly)

Gene: WDR35 (WD repeat domain 35; minus strand). Cytogenetic location: 2p24.1.
Variant type: single nucleotide variant.
Coding change: c.2891C>G on transcript NM_020779.4 (MANE Select); coding-DNA position 2891, C replaced by G.
Protein change: p.Ala964Gly; replaces alanine 964 with glycine.
Molecular consequence: missense variant.
Genome position (GRCh38, 1-based): chr2:19,931,342, G>C on the plus strand (C>G on the coding strand, the complement: WDR35 is on the minus strand). VCF-style: chr2-19931342-G-C. GRCh37 (hg19) VCF-style: chr2-20131103-G-C.
Other names: c.2924C>G, p.Ala975Gly (NM_001006657.2); short protein forms A975G, A964G.
Identifiers: ClinVar variation 1481591 (VCV001481591.9), dbSNP rs1281384371, ClinGen allele CA345941949.

ClinVar aggregate classification (germline): Uncertain significance. Review status: criteria provided, multiple submitters, no conflicts (2 of 4 stars). 2 submissions from 2 submitters: Uncertain significance (2). Last evaluated 2024-06-09.

Conditions:
Short-rib thoracic dysplasia 7 with or without polydactyly (SRTD7). Also called: Short rib polydactyly syndrome 5; SHORT-RIB THORACIC DYSPLASIA 7 WITH POLYDACTYLY. Identifiers: Orphanet 498497, Orphanet 93271, MedGen C3279792, MONDO:0013569, OMIM 614091.
Cranioectodermal dysplasia 2 (CED2). Identifiers: Orphanet 1515, MedGen C3150874, MONDO:0013323, OMIM 613610.

Allele frequency attached by ClinVar (database versions not stated): gnomAD exomes below 0.00001 and 0.00001; TOPMed 0.00002; gnomAD 0.00003 and 0.00004.
gnomAD v4.1: 25 of 1,613,200 alleles (0.0015%); highest among the groups gnomAD compares: Non-Finnish European, 0.002%; no homozygotes.

Submissions (2):

Fulgent Genetics
Classification: Uncertain significance for Cranioectodermal dysplasia 2; Short-rib thoracic dysplasia 7 with or without polydactyly. Last evaluated: 2024-06-09. Review status: criteria provided, single submitter. Criteria: ACMG Guidelines, 2015. Collection method: clinical testing. Allele origin: germline.

Labcorp Genetics (formerly Invitae), Labcorp
Classification: Uncertain significance for Cranioectodermal dysplasia 2; Short-rib thoracic dysplasia 7 with or without polydactyly. Last evaluated: 2021-03-10. Review status: criteria provided, single submitter. Criteria: Invitae Variant Classification Sherloc (09022015). Collection method: clinical testing. Allele origin: germline.
Comment: This sequence change replaces alanine with glycine at codon 975 of the WDR35 protein (p.Ala975Gly). The alanine residue is highly conserved and there is a small physicochemical difference between alanine and glycine. This variant is not present in population databases (ExAC no frequency). This variant has not been reported in the literature in individuals with WDR35-related conditions. Algorithms developed to predict the effect of missense changes on protein structure and function are either unavailable or do not agree on the potential impact of this missense change (SIFT: "Deleterious"; PolyPhen-2: "Probably Damaging"; Align-GVGD: "Class C0"). In summary, the available evidence is currently insufficient to determine the role of this variant in disease. Therefore, it has been classified as a Variant of Uncertain Significance.